The following is an entry in ClinVar:

NM_015295.3(SMCHD1):c.3421G>T (p.Val1141Leu)

Gene: SMCHD1 (structural maintenance of chromosomes flexible hinge domain containing 1; plus strand). Cytogenetic location: 18p11.32.
Variant type: single nucleotide variant.
Coding change: c.3421G>T on transcript NM_015295.3 (MANE Select); coding-DNA position 3421, G replaced by T.
Protein change: p.Val1141Leu; replaces valine 1141 with leucine.
Molecular consequence: missense variant.
Genome position (GRCh38, 1-based): chr18:2,738,541, G>T. VCF-style: chr18-2738541-G-T. GRCh37 (hg19) VCF-style: chr18-2738539-G-T.
Other names: short protein forms V1141L.
Identifiers: ClinVar variation 4761189 (VCV004761189.1).

ClinVar aggregate classification (germline): Uncertain significance (1 of 4 stars; one submission).

Conditions:
Facioscapulohumeral muscular dystrophy 2 (FSHD2). Also called: MUSCULAR DYSTROPHY, FACIOSCAPULOHUMERAL, TYPE 1B; FACIOSCAPULOHUMERAL MUSCULAR DYSTROPHY 2, DIGENIC; FSHD2, DIGENIC. Identifiers: Orphanet 269, MedGen C1834671, MONDO:0008031, OMIM 158901.

Submission:

Labcorp Genetics (formerly Invitae), Labcorp
Classification: Uncertain significance for Facioscapulohumeral muscular dystrophy 2. Last evaluated: 2025-10-14. Review status: criteria provided, single submitter. Criteria: Invitae Variant Classification Sherloc (09022015). Collection method: clinical testing. Allele origin: germline.
Comment: This sequence change replaces valine, which is neutral and non-polar, with leucine, which is neutral and non-polar, at codon 1141 of the SMCHD1 protein (p.Val1141Leu). This variant is not present in population databases (gnomAD no frequency). This variant has not been reported in the literature in individuals affected with SMCHD1-related conditions. Invitae Evidence Modeling of protein sequence and biophysical properties (such as structural, functional, and spatial information, amino acid conservation, physicochemical variation, residue mobility, and thermodynamic stability) indicates that this missense variant is not expected to disrupt SMCHD1 protein function with a negative predictive value of 80%. In summary, the available evidence is currently insufficient to determine the role of this variant in disease. Therefore, it has been classified as a Variant of Uncertain Significance.